The following is an entry in ClinVar:

ClinVar aggregate classification (germline): Uncertain significance (1 of 4 stars; one submission).

Conditions:
Cohen syndrome (COH1). Also called: PEPPER SYNDROME; Cutis verticis gyrata, retinitis pigmentosa, and sensorineural deafness. Identifiers: Orphanet 193, MedGen C0265223, MONDO:0008999, OMIM 216550.

Submission:

Labcorp Genetics (formerly Invitae), Labcorp
Classification: Uncertain significance for Cohen syndrome. Last evaluated: 2022-02-15. Review status: criteria provided, single submitter. Criteria: Invitae Variant Classification Sherloc (09022015). Collection method: clinical testing. Allele origin: germline.
Comment: In summary, the available evidence is currently insufficient to determine the role of this variant in disease. Therefore, it has been classified as a Variant of Uncertain Significance. Algorithms developed to predict the effect of missense changes on protein structure and function output the following: SIFT: "Not Available"; PolyPhen-2: "Probably Damaging"; Align-GVGD: "Not Available". The proline amino acid residue is found in multiple mammalian species, which suggests that this missense change does not adversely affect protein function. This variant has not been reported in the literature in individuals affected with VPS13B-related conditions. This variant is not present in population databases (gnomAD no frequency). This sequence change replaces leucine, which is neutral and non-polar, with proline, which is neutral and non-polar, at codon 1900 of the VPS13B protein (p.Leu1900Pro).

NM_152564.5(VPS13B):c.5624T>C (p.Leu1875Pro)

Gene: VPS13B (vacuolar protein sorting 13 homolog B; plus strand). Cytogenetic location: 8q22.2.
Variant type: single nucleotide variant.
Coding change: c.5624T>C on transcript NM_152564.5 (MANE Select); coding-DNA position 5624, T replaced by C.
Protein change: p.Leu1875Pro; replaces leucine 1875 with proline.
Molecular consequence: missense variant.
Genome position (GRCh38, 1-based): chr8:99,642,214, T>C. VCF-style: chr8-99642214-T-C. GRCh37 (hg19) VCF-style: chr8-100654442-T-C.
Other names: c.5699T>C, p.Leu1900Pro (NM_017890.5); short protein forms L1900P, L1875P.
Identifiers: ClinVar variation 1365438 (VCV001365438.5), dbSNP rs2133932090, ClinGen allele CA371872964.